The following is an entry in ClinVar:

ClinVar aggregate classification (germline): Uncertain significance (1 of 4 stars; one submission).

gnomAD v4.1: 1 of 1,613,142 alleles (0.000062%); highest among the groups gnomAD compares: Admixed American, 0.0017%; no homozygotes.

Submission:

GeneDx
Classification: Uncertain significance. Last evaluated: 2024-08-16. Review status: criteria provided, single submitter. Criteria: GeneDx Variant Classification Process June 2021. Collection method: clinical testing. Allele origin: germline. Affected: yes.
Comment: Not observed at significant frequency in large population cohorts (gnomAD); In silico analysis supports that this missense variant has a deleterious effect on protein structure/function; Has not been previously published as pathogenic or benign to our knowledge

NM_006265.3(RAD21):c.412A>G (p.Ser138Gly)

Gene: RAD21 (RAD21 cohesin complex component; minus strand). Cytogenetic location: 8q24.11.
Variant type: single nucleotide variant.
Coding change: c.412A>G on transcript NM_006265.3 (MANE Select); coding-DNA position 412, A replaced by G.
Protein change: p.Ser138Gly; replaces serine 138 with glycine.
Molecular consequence: missense variant.
Genome position (GRCh38, 1-based): chr8:116,858,421, T>C on the plus strand (A>G on the coding strand, the complement: RAD21 is on the minus strand). VCF-style: chr8-116858421-T-C. GRCh37 (hg19) VCF-style: chr8-117870660-T-C.
Other names: short protein forms S138G.
Identifiers: ClinVar variation 3764381 (VCV003764381.1).
Genomic context (GRCh38, chr8:116,858,421, plus strand): 5'-TTTCTTGTAAAATACTGATGTTCCCAACTTCTTCTCTCATGGTTATCTCTTCCACTCTAC[T>C]CTGATTCAAGCTGAACTGCTGGGCCACATCGATGTCACTTTAAAAGAAGGTCAAATACAT-3'
Protein context (NP_006256.1, residues 128-148): DVAQQFSLNQ[Ser138Gly]RVEEITMREE